The following is an entry in ClinVar:

ClinVar aggregate classification (germline): Uncertain significance (1 of 4 stars; one submission).

Submission:

Labcorp Genetics (formerly Invitae), Labcorp
Classification: Uncertain significance. Last evaluated: 2024-09-27. Review status: criteria provided, single submitter. Criteria: Invitae Variant Classification Sherloc (09022015). Collection method: clinical testing. Allele origin: germline.
Comment: This sequence change replaces asparagine, which is neutral and polar, with tyrosine, which is neutral and polar, at codon 645 of the RFWD3 protein (p.Asn645Tyr). This variant is not present in population databases (gnomAD no frequency). This variant has not been reported in the literature in individuals affected with RFWD3-related conditions. An algorithm developed to predict the effect of missense changes on protein structure and function (PolyPhen-2) suggests that this variant is likely to be tolerated. In summary, the available evidence is currently insufficient to determine the role of this variant in disease. Therefore, it has been classified as a Variant of Uncertain Significance.

NM_018124.4(RFWD3):c.1933A>T (p.Asn645Tyr)

Gene: RFWD3 (ring finger and WD repeat domain 3; minus strand). Cytogenetic location: 16q23.1.
Variant type: single nucleotide variant.
Coding change: c.1933A>T on transcript NM_018124.4 (MANE Select); coding-DNA position 1933, A replaced by T.
Protein change: p.Asn645Tyr; replaces asparagine 645 with tyrosine.
Molecular consequence: missense variant.
Genome position (GRCh38, 1-based): chr16:74,628,488, T>A on the plus strand (A>T on the coding strand, the complement: RFWD3 is on the minus strand). VCF-style: chr16-74628488-T-A. GRCh37 (hg19) VCF-style: chr16-74662386-T-A.
Other names: c.1933A>T, p.Asn645Tyr (NM_001370534.1, NM_001370535.1); c.1756A>T, p.Asn586Tyr (NM_001370536.1); c.1099A>T, p.Asn367Tyr (NM_001370537.1, NM_001370539.1, NM_001370540.1 and 2 more transcripts); short protein forms N367Y, N586Y, N645Y.
Identifiers: ClinVar variation 3625758 (VCV003625758.2).